The following is an entry in ClinVar:

NM_024715.4(TXNDC15):c.85C>G (p.Pro29Ala)

Gene: TXNDC15 (thioredoxin domain containing 15; plus strand). Cytogenetic location: 5q31.1.
Variant type: single nucleotide variant.
Coding change: c.85C>G on transcript NM_024715.4 (MANE Select); coding-DNA position 85, C replaced by G.
Protein change: p.Pro29Ala; replaces proline 29 with alanine.
Molecular consequence: missense variant. On other transcripts: intron variant (1).
Genome position (GRCh38, 1-based): chr5:134,874,512, C>G. VCF-style: chr5-134874512-C-G. GRCh37 (hg19) VCF-style: chr5-134210202-C-G.
Other names: c.-102+29C>G (NM_001350735.2); short protein forms P29A.
Identifiers: ClinVar variation 3045423 (VCV003045423.2), dbSNP rs142616682, ClinGen allele CA3416730.
Genomic context (GRCh38, chr5:134,874,512, plus strand): 5'-CCGCCCCGCGTCATGCGGCTCCTCGGCTGGTGGCAAGTATTGCTGTGGGTGCTGGGACTT[C>G]CCGTCCGCGGCGTGGAGGGTGAGTGTGGGCCGGGGGCGGTGCATGAGATGATGGGGCGAG-3'
Protein context (NP_078991.3, residues 19-39): WQVLLWVLGL[Pro29Ala]VRGVEVAEES

ClinVar aggregate classification (germline): Likely benign (0 of 4 stars; one submission).

Conditions:
TXNDC15-related disorder. Also called: TXNDC15-related condition.

Allele frequency attached by ClinVar (database versions not stated): ESP Exome Variant Server 0.00131; TOPMed 0.00152; 1000 Genomes Project 0.00180; 1000 Genomes Project 30x 0.00187.
gnomAD v4.1: 361 of 1,601,902 alleles (0.023%); highest among the groups gnomAD compares: African/African-American, 0.44%; 1 homozygote.

Submission:

PreventionGenetics, part of Exact Sciences
Classification: Likely benign for TXNDC15-related condition. Last evaluated: 2021-02-02. Review status: no assertion criteria provided. Collection method: clinical testing. Allele origin: germline.
Comment: This variant is classified as likely benign based on ACMG/AMP sequence variant interpretation guidelines (Richards et al. 2015 PMID: 25741868, with internal and published modifications).